The following is an entry in ClinVar:

ClinVar aggregate classification (germline): Uncertain significance. Review status: criteria provided, multiple submitters, no conflicts (2 of 4 stars). 2 submissions from 2 submitters: Uncertain significance (2). Last evaluated 2022-11-01.

Allele frequency attached by ClinVar (database versions not stated): gnomAD exomes 0.00001; TOPMed 0.00001.
gnomAD v4.1: 3 of 1,614,100 alleles (0.00019%); highest among the groups gnomAD compares: Non-Finnish European, 0.00025%; no homozygotes.

Submissions (2):

CeGaT Center for Human Genetics Tuebingen
Classification: Uncertain significance. Last evaluated: 2022-11-01. Review status: criteria provided, single submitter. Criteria: CeGaT Center For Human Genetics Tuebingen Variant Classification Criteria Version 2. Collection method: clinical testing. Allele origin: germline. Affected: yes. Observed: 1 variant allele.
Comment: GRHL2: PM2, BP4

GeneDx
Classification: Uncertain significance. Last evaluated: 2019-07-12. Review status: criteria provided, single submitter. Criteria: GeneDx Variant Classification Process June 2021. Collection method: clinical testing. Allele origin: germline. Affected: yes.
Comment: Not observed in large population cohorts (Lek et al., 2016); In silico analysis, which includes protein predictors and evolutionary conservation, supports that this variant does not alter protein structure/function; Has not been previously published as pathogenic or benign to our knowledge

NM_024915.4(GRHL2):c.592G>A (p.Ala198Thr)

Gene: GRHL2 (grainyhead like transcription factor 2; plus strand). Cytogenetic location: 8q22.3.
Variant type: single nucleotide variant.
Coding change: c.592G>A on transcript NM_024915.4 (MANE Select); coding-DNA position 592, G replaced by A.
Protein change: p.Ala198Thr; replaces alanine 198 with threonine.
Molecular consequence: missense variant.
Genome position (GRCh38, 1-based): chr8:101,558,726, G>A. VCF-style: chr8-101558726-G-A. GRCh37 (hg19) VCF-style: chr8-102570954-G-A.
Other names: c.544G>A, p.Ala182Thr (NM_001330593.2); short protein forms A182T, A198T.
Identifiers: ClinVar variation 1306999 (VCV001306999.26), dbSNP rs1158196831, ClinGen allele CA371644295.